The following is an entry in ClinVar:

NM_017791.3(FLVCR2):c.1327A>C (p.Asn443His)

Gene: FLVCR2 (FLVCR choline and putative heme transporter 2; plus strand). Cytogenetic location: 14q24.3.
Variant type: single nucleotide variant.
Coding change: c.1327A>C on transcript NM_017791.3 (MANE Select); coding-DNA position 1327, A replaced by C.
Protein change: p.Asn443His; replaces asparagine 443 with histidine.
Molecular consequence: missense variant.
Genome position (GRCh38, 1-based): chr14:75,641,046, A>C. VCF-style: chr14-75641046-A-C. GRCh37 (hg19) VCF-style: chr14-76107389-A-C.
Other names: c.712A>C, p.Asn238His (NM_001195283.2); short protein forms N443H, N238H.
Identifiers: ClinVar variation 2180914 (VCV002180914.4), dbSNP rs763881648, ClinGen allele CA7278519.

ClinVar aggregate classification (germline): Uncertain significance (1 of 4 stars; one submission).

gnomAD v4.1: 3 of 1,613,388 alleles (0.00019%); highest among the groups gnomAD compares: Admixed American, 0.005%; no homozygotes.

Submission:

Labcorp Genetics (formerly Invitae), Labcorp
Classification: Uncertain significance. Last evaluated: 2022-08-22. Review status: criteria provided, single submitter. Criteria: Invitae Variant Classification Sherloc (09022015). Collection method: clinical testing. Allele origin: germline.
Comment: This variant is present in population databases (rs763881648, gnomAD 0.01%). In summary, the available evidence is currently insufficient to determine the role of this variant in disease. Therefore, it has been classified as a Variant of Uncertain Significance. Algorithms developed to predict the effect of missense changes on protein structure and function are either unavailable or do not agree on the potential impact of this missense change (SIFT: "Deleterious"; PolyPhen-2: "Probably Damaging"; Align-GVGD: "Class C0"). This variant has not been reported in the literature in individuals affected with FLVCR2-related conditions. This sequence change replaces asparagine, which is neutral and polar, with histidine, which is basic and polar, at codon 443 of the FLVCR2 protein (p.Asn443His).